The following is an entry in ClinVar:

NM_000094.4(COL7A1):c.829C>T (p.Pro277Ser)

Gene: COL7A1 (collagen type VII alpha 1 chain; minus strand). Cytogenetic location: 3p21.31.
Variant type: single nucleotide variant.
Coding change: c.829C>T on transcript NM_000094.4 (MANE Select); coding-DNA position 829, C replaced by T.
Protein change: p.Pro277Ser; replaces proline 277 with serine.
Molecular consequence: missense variant.
Genome position (GRCh38, 1-based): chr3:48,592,792, G>A on the plus strand (C>T on the coding strand, the complement: COL7A1 is on the minus strand). VCF-style: chr3-48592792-G-A. GRCh37 (hg19) VCF-style: chr3-48630225-G-A.
Other names: short protein forms P277S.
Identifiers: ClinVar variation 3635688 (VCV003635688.2).

ClinVar aggregate classification (germline): Uncertain significance (1 of 4 stars; one submission).

Submission:

Labcorp Genetics (formerly Invitae), Labcorp
Classification: Uncertain significance. Last evaluated: 2024-11-19. Review status: criteria provided, single submitter. Criteria: Invitae Variant Classification Sherloc (09022015). Collection method: clinical testing. Allele origin: germline.
Comment: This sequence change replaces proline, which is neutral and non-polar, with serine, which is neutral and polar, at codon 277 of the COL7A1 protein (p.Pro277Ser). This variant is not present in population databases (gnomAD no frequency). This variant has not been reported in the literature in individuals affected with COL7A1-related conditions. Invitae Evidence Modeling of protein sequence and biophysical properties (such as structural, functional, and spatial information, amino acid conservation, physicochemical variation, residue mobility, and thermodynamic stability) indicates that this missense variant is not expected to disrupt COL7A1 protein function with a negative predictive value of 95%. In summary, the available evidence is currently insufficient to determine the role of this variant in disease. Therefore, it has been classified as a Variant of Uncertain Significance.